The following is an entry in ClinVar:

NM_001384732.1(CPLANE1):c.8769A>G (p.Thr2923=)

Gene: CPLANE1 (ciliogenesis and planar polarity effector complex subunit 1; minus strand). Cytogenetic location: 5p13.2.
Variant type: single nucleotide variant.
Coding change: c.8769A>G on transcript NM_001384732.1 (MANE Select); coding-DNA position 8769, A replaced by G.
Protein change: p.Thr2923=; no amino-acid change (threonine 2923 retained).
Molecular consequence: synonymous variant.
Genome position (GRCh38, 1-based): chr5:37,138,743, T>C on the plus strand (A>G on the coding strand, the complement: CPLANE1 is on the minus strand). VCF-style: chr5-37138743-T-C. GRCh37 (hg19) VCF-style: chr5-37138845-T-C.
Other names: p.Thr2869=; c.8607A>G, p.Thr2869= (NM_023073.4).
Identifiers: ClinVar variation 158058 (VCV000158058.27), dbSNP rs16903514, ClinGen allele CA171469.

ClinVar aggregate classification (germline): Benign/Likely benign. Review status: criteria provided, multiple submitters, no conflicts (2 of 4 stars). 9 submissions from 9 submitters: Benign (8); Likely benign (1). Last evaluated 2026-02-01.

Conditions:
Orofaciodigital syndrome type 6 (OFD6). Also called: OROFACIODIGITAL SYNDROME VI; OFDS VI; POLYDACTYLY, CLEFT LIP/PALATE OR LINGUAL LUMP, AND PSYCHOMOTOR RETARDATION; VARADI SYNDROME; VARADI-PAPP SYNDROME; Oral-facial-digital syndrome type 6. Identifiers: Orphanet 2754, MedGen C2745997, MONDO:0010176, OMIM 277170.
Joubert syndrome 17 (JBTS17). Identifiers: Orphanet 475, MedGen C3553264, MONDO:0013824, OMIM 614615.

Allele frequency attached by ClinVar (database versions not stated): ESP Exome Variant Server 0.00023; gnomAD exomes 0.00207 and 0.00816; gnomAD 0.00352 and 0.00384; TOPMed 0.00651; ExAC 0.00655; 1000 Genomes Project 0.00998; 1000 Genomes Project 30x 0.00999.
gnomAD v4.1: 3,599 of 1,612,156 alleles (0.22%); highest among the groups gnomAD compares: Admixed American, 4.1%; 78 homozygotes.

Submissions (9):

Labcorp Genetics (formerly Invitae), Labcorp
Classification: Benign. Last evaluated: 2026-02-01. Review status: criteria provided, single submitter. Criteria: Invitae Variant Classification Sherloc (09022015). Collection method: clinical testing. Allele origin: germline.

Mayo Clinic Laboratories, Mayo Clinic
Classification: Likely benign. Last evaluated: 2023-11-23. Review status: criteria provided, single submitter. Criteria: ACMG Guidelines, 2015. Collection method: clinical testing. Allele origin: germline. Observed: 2 variant alleles.
Comment: BS2, BP4, BP7

Fulgent Genetics
Classification: Benign for Orofaciodigital syndrome type 6; Joubert syndrome 17. Last evaluated: 2021-09-28. Review status: criteria provided, single submitter. Criteria: ACMG Guidelines, 2015. Collection method: clinical testing. Allele origin: unknown.

Illumina Laboratory Services, Illumina
Classification: Benign for Joubert syndrome 17. Last evaluated: 2018-01-12. Review status: criteria provided, single submitter. Criteria: ICSL Variant Classification Criteria 13 December 2019. Collection method: clinical testing. Allele origin: germline.
Comment: This variant was observed in the ICSL laboratory as part of a predisposition screen in an ostensibly healthy population. It had not been previously curated by ICSL or reported in the Human Gene Mutation Database (HGMD: prior to June 1st, 2018), and was therefore a candidate for classification through an automated scoring system. Utilizing variant allele frequency, disease prevalence and penetrance estimates, and inheritance mode, an automated score was calculated to assess if this variant is too frequent to cause the disease. Based on the score and internal cut-off values, a variant classified as benign is not then subjected to further curation. The score for this variant resulted in a classification of benign for this disease.

GeneDx
Classification: Benign. Last evaluated: 2016-11-29. Review status: criteria provided, single submitter. Criteria: GeneDx Variant Classification (06012015). Collection method: clinical testing. Allele origin: germline. Affected: yes.
Comment: This variant is considered likely benign or benign based on one or more of the following criteria: it is a conservative change, it occurs at a poorly conserved position in the protein, it is predicted to be benign by multiple in silico algorithms, and/or has population frequency not consistent with disease.

Genetic Services Laboratory, University of Chicago
Classification: Benign. Last evaluated: 2016-09-23. Review status: criteria provided, single submitter. Criteria: ACMG Guidelines, 2015. Collection method: clinical testing. Allele origin: germline. Affected: no.

Eurofins Ntd Llc (ga)
Classification: Benign. Last evaluated: 2014-08-21. Review status: criteria provided, single submitter. Criteria: EGL Classification Definitions 2015. Collection method: clinical testing. Allele origin: germline. Observed: 2 variant alleles, 2 heterozygotes.

Breakthrough Genomics
Classification: Benign. Review status: criteria provided, single submitter. Criteria: ACMG Guidelines, 2015. Collection method: not provided. Allele origin: germline. Inheritance: Autosomal recessive inheritance. Affected: yes.

PreventionGenetics, part of Exact Sciences
Classification: Benign. Review status: criteria provided, single submitter. Criteria: ACMG Guidelines, 2015. Collection method: clinical testing. Allele origin: germline.